The following is an entry in ClinVar:

NM_001170629.2(CHD8):c.1444C>T (p.Arg482Ter)

Gene: CHD8 (chromodomain helicase DNA binding protein 8; minus strand). Cytogenetic location: 14q11.2.
Variant type: single nucleotide variant.
Coding change: c.1444C>T on transcript NM_001170629.2 (MANE Select); coding-DNA position 1444, C replaced by T.
Protein change: p.Arg482Ter; replaces arginine 482 with a stop codon.
Molecular consequence: nonsense.
Genome position (GRCh38, 1-based): chr14:21,428,026, G>A on the plus strand (C>T on the coding strand, the complement: CHD8 is on the minus strand). VCF-style: chr14-21428026-G-A. GRCh37 (hg19) VCF-style: chr14-21896185-G-A.
Other names: c.607C>T, p.Arg203Ter (NM_020920.4); short protein forms R203*, R482*.
Identifiers: ClinVar variation 1075533 (VCV001075533.7), dbSNP rs2139531559, ClinGen allele CA388883090.
Genomic context (GRCh38, chr14:21,428,026, plus strand): 5'-GTTTCTTCTCGCCTTCCTCCTCTGGCCGAACGCTGGGCAACTCGTCCTCATTTAAGACTC[G>A]AGGTATGTTCTGCTCACCGCGGGCACGGGCTCTCGCAATGGCCTCTGCTACAATCCGATT-3'

ClinVar aggregate classification (germline): Pathogenic (1 of 4 stars; one submission).

Submission:

Labcorp Genetics (formerly Invitae), Labcorp
Classification: Pathogenic. Last evaluated: 2017-10-06. Review status: criteria provided, single submitter. Criteria: Invitae Variant Classification Sherloc (09022015). Collection method: clinical testing. Allele origin: germline.
Comment: This sequence change creates a premature translational stop signal (p.Arg482*) in the CHD8 gene. It is expected to result in an absent or disrupted protein product. This variant is not present in population databases (ExAC no frequency). This variant has not been reported in the literature in individuals with CHD8-related disease. Loss-of-function variants in CHD8 are known to be pathogenic (PMID: 24998929, 26789910). For these reasons, this variant has been classified as Pathogenic.

Literature cited by the submitters: PubMed 24998929; PubMed 26789910.